The following is an entry in ClinVar:

NM_005618.4(DLL1):c.1780G>A (p.Ala594Thr)

Gene: DLL1 (delta like canonical Notch ligand 1; minus strand). Cytogenetic location: 6q27.
Variant type: single nucleotide variant.
Coding change: c.1780G>A on transcript NM_005618.4 (MANE Select); coding-DNA position 1780, G replaced by A.
Protein change: p.Ala594Thr; replaces alanine 594 with threonine.
Molecular consequence: missense variant.
Genome position (GRCh38, 1-based): chr6:170,283,499, C>T on the plus strand (G>A on the coding strand, the complement: DLL1 is on the minus strand). VCF-style: chr6-170283499-C-T. GRCh37 (hg19) VCF-style: chr6-170592587-C-T.
Other names: short protein forms A594T.
Identifiers: ClinVar variation 3618775 (VCV003618775.2).

ClinVar aggregate classification (germline): Uncertain significance (1 of 4 stars; one submission).

Submission:

Labcorp Genetics (formerly Invitae), Labcorp
Classification: Uncertain significance. Last evaluated: 2025-01-27. Review status: criteria provided, single submitter. Criteria: Invitae Variant Classification Sherloc (09022015). Collection method: clinical testing. Allele origin: germline.
Comment: This sequence change replaces alanine, which is neutral and non-polar, with threonine, which is neutral and polar, at codon 594 of the DLL1 protein (p.Ala594Thr). This variant is present in population databases (rs370664538, gnomAD 0.04%). This variant has not been reported in the literature in individuals affected with DLL1-related conditions. An algorithm developed to predict the effect of missense changes on protein structure and function outputs the following: PolyPhen-2: "Benign". The threonine amino acid residue is found in multiple mammalian species, which suggests that this missense change does not adversely affect protein function. In summary, the available evidence is currently insufficient to determine the role of this variant in disease. Therefore, it has been classified as a Variant of Uncertain Significance.